The following is an entry in ClinVar:

ClinVar aggregate classification (germline): Uncertain significance (1 of 4 stars; one submission).

Submission:

Labcorp Genetics (formerly Invitae), Labcorp
Classification: Uncertain significance. Last evaluated: 2024-12-05. Review status: criteria provided, single submitter. Criteria: Invitae Variant Classification Sherloc (09022015). Collection method: clinical testing. Allele origin: germline.
Comment: This sequence change falls in intron 5 of the ALPK1 gene. It does not directly change the encoded amino acid sequence of the ALPK1 protein. It affects a nucleotide within the consensus splice site. This variant is present in population databases (rs775870775, gnomAD 0.004%). This variant has not been reported in the literature in individuals affected with ALPK1-related conditions. ClinVar contains an entry for this variant (Variation ID: 2137369). Variants that disrupt the consensus splice site are a relatively common cause of aberrant splicing (PMID: 17576681, 9536098). Algorithms developed to predict the effect of sequence changes on RNA splicing suggest that this variant may disrupt the consensus splice site. In summary, the available evidence is currently insufficient to determine the role of this variant in disease. Therefore, it has been classified as a Variant of Uncertain Significance.

Literature cited by the submitters: PubMed 17576681; PubMed 9536098.

NM_025144.4(ALPK1):c.475+1_475+5dup

Gene: ALPK1 (alpha kinase 1; plus strand). Cytogenetic location: 4q25.
Variant type: Duplication.
Coding change: c.475+1_475+5dup on transcript NM_025144.4 (MANE Select); the canonical splice donor site of the intron after coding-DNA position 475 through 5 bases into the intron after coding-DNA position 475, 5 bases duplicated (GTATG; older notation c.475+1_475+5dupGTATG).
Molecular consequence: splice donor variant.
Genome position (GRCh38, 1-based): chr4:112,412,026-112,412,030, GTATG duplicated; duplicating any 5 consecutive bases within chr4:112,412,025-112,412,030 gives the same sequence; the c. name uses the placement nearest the transcript's 3' end. VCF-style (leftmost placement, unchanged base first): chr4-112412024-A-AGGTAT. GRCh37 (hg19) VCF-style: chr4-113333180-A-AGGTAT.
Other names: c.475+1_475+5dup (NM_001102406.2); c.241+1_241+5dup (NM_001253884.2).
Identifiers: ClinVar variation 2137369 (VCV002137369.4), dbSNP rs775870775, ClinGen allele CA3046374.